The following is an entry in ClinVar:

NM_003640.5(ELP1):c.3379C>T (p.Gln1127Ter)

Gene: ELP1 (elongator acetyltransferase complex subunit 1; minus strand). Cytogenetic location: 9q31.3.
Variant type: single nucleotide variant.
Coding change: c.3379C>T on transcript NM_003640.5 (MANE Select); coding-DNA position 3379, C replaced by T.
Protein change: p.Gln1127Ter; replaces glutamine 1127 with a stop codon.
Molecular consequence: nonsense.
Genome position (GRCh38, 1-based): chr9:108,880,133, G>A on the plus strand (C>T on the coding strand, the complement: ELP1 is on the minus strand). VCF-style: chr9-108880133-G-A. GRCh37 (hg19) VCF-style: chr9-111642413-G-A.
Other names: c.3037C>T, p.Gln1013Ter (NM_001318360.2); c.2332C>T, p.Gln778Ter (NM_001330749.2); short protein forms Q1013*, Q1127*, Q778*.
Identifiers: ClinVar variation 4687851 (VCV004687851.1).

ClinVar aggregate classification (germline): Likely pathogenic (1 of 4 stars; one submission).

Conditions:
Medulloblastoma (MDB). Also called: MEDULLOBLASTOMA PREDISPOSITION SYNDROME; Medulloblastoma, somatic. Identifiers: Orphanet 616, MedGen C0025149, MeSH D008527, MONDO:0007959, OMIM 155255, HP:0002885.

Submission:

Laboratory of Medical Genetics Unit, Bambino Gesù Children's Hospital
Classification: Likely pathogenic for Medulloblastoma. Review status: criteria provided, single submitter. Criteria: ACMG Guidelines, 2015. Collection method: research. Allele origin: germline. Affected: yes.
Comment: The variant NM_003640.5 (ELP1): c.[3379C>T] p.[(Gln1127Ter) is not reported in GnomAD, in literature and in Clinvar. It is classified as likely pathogenic variant following the ACMG criteria (PM2 and PVS1).